The following is an entry in ClinVar:

ClinVar aggregate classification (germline): Uncertain significance. Review status: criteria provided, multiple submitters, no conflicts (2 of 4 stars). 2 submissions from 2 submitters: Uncertain significance (2). Last evaluated 2025-02-24.

Conditions:
Inborn genetic diseases. Identifiers: MedGen C0950123, MeSH D030342.
MEGF10-related myopathy (CMYO10A). Also called: Congenital myopathy 10A, severe variant. Identifiers: Orphanet 439212, MedGen C3280679, MONDO:0013731, OMIM 614399.

Allele frequency attached by ClinVar (database versions not stated): ExAC 0.00001; gnomAD exomes 0.00002 and 0.00005; TOPMed 0.00006; gnomAD 0.00007; ESP Exome Variant Server 0.00008.
gnomAD v4.1: 90 of 1,614,000 alleles (0.0056%); highest among the groups gnomAD compares: Non-Finnish European, 0.0072%; no homozygotes.

Submissions (2):

Ambry Genetics
Classification: Uncertain significance for Inborn genetic diseases. Last evaluated: 2025-02-24. Review status: criteria provided, single submitter. Criteria: Ambry Variant Classification Scheme 2023. Collection method: clinical testing. Allele origin: germline.

Labcorp Genetics (formerly Invitae), Labcorp
Classification: Uncertain significance for MEGF10-related myopathy. Last evaluated: 2024-11-18. Review status: criteria provided, single submitter. Criteria: Invitae Variant Classification Sherloc (09022015). Collection method: clinical testing. Allele origin: germline.
Comment: This sequence change replaces aspartic acid, which is acidic and polar, with asparagine, which is neutral and polar, at codon 180 of the MEGF10 protein (p.Asp180Asn). This variant is present in population databases (rs142679354, gnomAD 0.005%). This variant has not been reported in the literature in individuals affected with MEGF10-related conditions. ClinVar contains an entry for this variant (Variation ID: 959240). Invitae Evidence Modeling of protein sequence and biophysical properties (such as structural, functional, and spatial information, amino acid conservation, physicochemical variation, residue mobility, and thermodynamic stability) indicates that this missense variant is not expected to disrupt MEGF10 protein function with a negative predictive value of 80%. In summary, the available evidence is currently insufficient to determine the role of this variant in disease. Therefore, it has been classified as a Variant of Uncertain Significance.

NM_001256545.2(MEGF10):c.538G>A (p.Asp180Asn)

Gene: MEGF10 (multiple EGF like domains 10; plus strand). Cytogenetic location: 5q23.2.
Variant type: single nucleotide variant.
Coding change: c.538G>A on transcript NM_001256545.2 (MANE Select); coding-DNA position 538, G replaced by A.
Protein change: p.Asp180Asn; replaces aspartic acid 180 with asparagine.
Molecular consequence: missense variant.
Genome position (GRCh38, 1-based): chr5:127,396,657, G>A. VCF-style: chr5-127396657-G-A. GRCh37 (hg19) VCF-style: chr5-126732349-G-A.
Other names: c.538G>A, p.Asp180Asn (NM_001308119.2, NM_001308121.2, NM_032446.3); short protein forms D180N.
Identifiers: ClinVar variation 959240 (VCV000959240.8), dbSNP rs142679354, ClinGen allele CA3391320.